The following is an entry in ClinVar:

NM_007144.3(PCGF2):c.374T>G (p.Leu125Arg)

Gene: PCGF2 (polycomb group ring finger 2; minus strand). Cytogenetic location: 17q12.
Variant type: single nucleotide variant.
Coding change: c.374T>G on transcript NM_007144.3 (MANE Select); coding-DNA position 374, T replaced by G.
Protein change: p.Leu125Arg; replaces leucine 125 with arginine.
Molecular consequence: missense variant.
Genome position (GRCh38, 1-based): chr17:38,738,804, A>C on the plus strand (T>G on the coding strand, the complement: PCGF2 is on the minus strand). VCF-style: chr17-38738804-A-C. GRCh37 (hg19) VCF-style: chr17-36895057-A-C.
Other names: c.374T>G, p.Leu125Arg (NM_001369614.1, NM_001369615.1); short protein forms L125R.
Identifiers: ClinVar variation 3700573 (VCV003700573.2).

ClinVar aggregate classification (germline): Uncertain significance (1 of 4 stars; one submission).

gnomAD v4.1: 1 of 1,614,116 alleles (0.000062%); no homozygotes.

Submission:

Labcorp Genetics (formerly Invitae), Labcorp
Classification: Uncertain significance. Last evaluated: 2024-02-13. Review status: criteria provided, single submitter. Criteria: Invitae Variant Classification Sherloc (09022015). Collection method: clinical testing. Allele origin: germline.
Comment: This sequence change replaces leucine, which is neutral and non-polar, with arginine, which is basic and polar, at codon 125 of the PCGF2 protein (p.Leu125Arg). This variant is not present in population databases (gnomAD no frequency). This variant has not been reported in the literature in individuals affected with PCGF2-related conditions. Advanced modeling of protein sequence and biophysical properties (such as structural, functional, and spatial information, amino acid conservation, physicochemical variation, residue mobility, and thermodynamic stability) performed at Invitae indicates that this missense variant is not expected to disrupt PCGF2 protein function with a negative predictive value of 80%. In summary, the available evidence is currently insufficient to determine the role of this variant in disease. Therefore, it has been classified as a Variant of Uncertain Significance.